The following is an entry in ClinVar:

ClinVar aggregate classification (germline): Benign (1 of 4 stars; one submission).

Allele frequency attached by ClinVar (database versions not stated): ESP Exome Variant Server 0.00575; 1000 Genomes Project 0.00579; ExAC 0.00633; gnomAD 0.00639; 1000 Genomes Project 30x 0.00640; TOPMed 0.00692.
gnomAD v4.1: 11,794 of 1,558,602 alleles (0.76%); highest among the groups gnomAD compares: Admixed American, 1.1%; 63 homozygotes.

Submissions (15):

CeGaT Center for Human Genetics Tuebingen
Classification: Benign. Last evaluated: 2023-09-01. Review status: criteria provided, single submitter. Criteria: CeGaT Center For Human Genetics Tuebingen Variant Classification Criteria Version 2. Collection method: clinical testing. Allele origin: germline. Affected: yes. Observed: 1 variant allele.
Comment: LMNTD2: PP3, BS1, BS2

Dr. Peter K. Rogan Lab, Western University
No classification provided (evidence only). Condition: Lung cancer. Review status: no classification provided. Collection method: in vitro. Allele origin: not applicable. Functional consequence: retained intron. Not counted in ClinVar's aggregate classification.

Dr. Peter K. Rogan Lab, Western University
No classification provided (evidence only). Condition: Thyroid cancer, nonmedullary, 1. Review status: no classification provided. Collection method: in vitro. Allele origin: not applicable. Functional consequence: retained intron. Not counted in ClinVar's aggregate classification.

Dr. Peter K. Rogan Lab, Western University
No classification provided (evidence only). Condition: Thyroid cancer, nonmedullary, 1. Review status: no classification provided. Collection method: in vitro. Allele origin: not applicable. Functional consequence: retained intron. Not counted in ClinVar's aggregate classification.

Dr. Peter K. Rogan Lab, Western University
No classification provided (evidence only). Condition: Hepatocellular carcinoma. Review status: no classification provided. Collection method: in vitro. Allele origin: not applicable. Functional consequence: retained intron. Not counted in ClinVar's aggregate classification.

Dr. Peter K. Rogan Lab, Western University
No classification provided (evidence only). Condition: Hepatocellular carcinoma. Review status: no classification provided. Collection method: in vitro. Allele origin: not applicable. Functional consequence: retained intron. Not counted in ClinVar's aggregate classification.

Dr. Peter K. Rogan Lab, Western University
No classification provided (evidence only). Condition: Hepatocellular carcinoma. Review status: no classification provided. Collection method: in vitro. Allele origin: not applicable. Functional consequence: retained intron. Not counted in ClinVar's aggregate classification.

Dr. Peter K. Rogan Lab, Western University
No classification provided (evidence only). Condition: Thymoma. Review status: no classification provided. Collection method: in vitro. Allele origin: not applicable. Functional consequence: retained intron. Not counted in ClinVar's aggregate classification.

Dr. Peter K. Rogan Lab, Western University
No classification provided (evidence only). Condition: Thymoma. Review status: no classification provided. Collection method: in vitro. Allele origin: not applicable. Functional consequence: retained intron. Not counted in ClinVar's aggregate classification.

Dr. Peter K. Rogan Lab, Western University
No classification provided (evidence only). Condition: Ovarian serous cystadenocarcinoma. Review status: no classification provided. Collection method: in vitro. Allele origin: not applicable. Functional consequence: retained intron. Not counted in ClinVar's aggregate classification.

Dr. Peter K. Rogan Lab, Western University
No classification provided (evidence only). Condition: Ovarian serous cystadenocarcinoma. Review status: no classification provided. Collection method: in vitro. Allele origin: not applicable. Functional consequence: retained intron. Not counted in ClinVar's aggregate classification.

Dr. Peter K. Rogan Lab, Western University
No classification provided (evidence only). Condition: Ovarian serous cystadenocarcinoma. Review status: no classification provided. Collection method: in vitro. Allele origin: not applicable. Functional consequence: retained intron. Not counted in ClinVar's aggregate classification.

Dr. Peter K. Rogan Lab, Western University
No classification provided (evidence only). Condition: Gastric cancer. Review status: no classification provided. Collection method: in vitro. Allele origin: not applicable. Functional consequence: retained intron. Not counted in ClinVar's aggregate classification.

Dr. Peter K. Rogan Lab, Western University
No classification provided (evidence only). Condition: Gastric cancer. Review status: no classification provided. Collection method: in vitro. Allele origin: not applicable. Functional consequence: retained intron. Not counted in ClinVar's aggregate classification.

Dr. Peter K. Rogan Lab, Western University
No classification provided (evidence only). Condition: Lymphoma. Review status: no classification provided. Collection method: in vitro. Allele origin: not applicable. Functional consequence: cryptic splice site. Not counted in ClinVar's aggregate classification.

NM_173573.3(LMNTD2):c.1374C>T (p.Gly458=)

Gene: LMNTD2 (lamin tail domain containing 2; minus strand). Cytogenetic location: 11p15.5.
Variant type: single nucleotide variant.
Coding change: c.1374C>T on transcript NM_173573.3 (MANE Select); coding-DNA position 1374, C replaced by T.
Protein change: p.Gly458=; no amino-acid change (glycine 458 retained).
Molecular consequence: synonymous variant.
Genome position (GRCh38, 1-based): chr11:555,999, G>A on the plus strand (C>T on the coding strand, the complement: LMNTD2 is on the minus strand). VCF-style: chr11-555999-G-A. GRCh37 (hg19) VCF-style: chr11-555999-G-A.
Other names: NC_000011.9:g.555999G>A.
Identifiers: ClinVar variation 2641072 (VCV002641072.25), dbSNP rs200729988, ClinGen allele CA5780425.